The following is an entry in ClinVar:

NM_001395891.1(CLASP1):c.196-596G>A

Genes: CLASP1 (cytoplasmic linker associated protein 1; minus strand), CLASP1-AS1 (CLASP1 antisense RNA 1; plus strand), RNU4ATAC (RNA, U4atac small nuclear; plus strand). Cytogenetic location: 2q14.2.
Variant type: single nucleotide variant.
Coding change: c.196-596G>A on transcript NM_001395891.1 (MANE Select); 596 bases into the intron before coding-DNA position 196, G replaced by A.
Molecular consequence: intron variant.
Genome position (GRCh38, 1-based): chr2:121,530,921, C>T on the plus strand (G>A on the coding strand, the complement: CLASP1 is on the minus strand). VCF-style: chr2-121530921-C-T. GRCh37 (hg19) VCF-style: chr2-122288497-C-T.
Other names: c.196-596G>A (NM_001142274.2, NM_015282.3, NM_001378003.1 and 4 more transcripts).
Identifiers: ClinVar variation 1160662 (VCV001160662.11), dbSNP rs555609754, ClinGen allele CA1854696.

ClinVar aggregate classification (germline): Likely benign. Review status: criteria provided, multiple submitters, no conflicts (2 of 4 stars). 4 submissions from 3 submitters: Likely benign (4). Last evaluated 2025-12-31.

Conditions:
RNU4ATAC-related disorder. Also called: RNU4ATAC-related condition.
CLASP1-related disorder. Also called: CLASP1-related condition.

Allele frequency attached by ClinVar (database versions not stated): 1000 Genomes Project 30x 0.00031.
gnomAD v4.1: 712 of 699,880 alleles (0.1%); highest among the groups gnomAD compares: African/African-American, 0.13%; no homozygotes.

Submissions (4):

Labcorp Genetics (formerly Invitae), Labcorp
Classification: Likely benign. Last evaluated: 2025-12-31. Review status: criteria provided, single submitter. Criteria: Invitae Variant Classification Sherloc (09022015). Collection method: clinical testing. Allele origin: germline.

PreventionGenetics, part of Exact Sciences
Classification: Likely benign for CLASP1-related condition. Last evaluated: 2019-07-11. Review status: criteria provided, single submitter. Criteria: ACMG Guidelines, 2015. Collection method: clinical testing. Allele origin: germline.
Comment: This variant is classified as likely benign based on ACMG/AMP sequence variant interpretation guidelines (Richards et al. 2015 PMID: 25741868, with internal and published modifications).

PreventionGenetics, part of Exact Sciences
Classification: Likely benign for RNU4ATAC-related condition. Last evaluated: 2019-07-11. Review status: criteria provided, single submitter. Criteria: ACMG Guidelines, 2015. Collection method: clinical testing. Allele origin: germline.
Comment: the same text as in the submission from PreventionGenetics, part of Exact Sciences above.

Breakthrough Genomics
Classification: Likely benign. Review status: criteria provided, single submitter. Criteria: ACMG Guidelines, 2015. Collection method: not provided. Allele origin: germline. Inheritance: Unknown mechanism. Affected: yes.